The following is an entry in ClinVar:

ClinVar aggregate classification (germline): Uncertain significance (1 of 4 stars; one submission).

Conditions:
Cardiovascular phenotype. Identifiers: MedGen CN230736.

Submission:

Ambry Genetics
Classification: Uncertain significance for Cardiovascular phenotype. Last evaluated: 2020-03-24. Review status: criteria provided, single submitter. Criteria: Ambry Variant Classification Scheme 2023. Collection method: clinical testing. Allele origin: germline.
Comment: The p.C511Y variant (also known as c.1532G>A), located in coding exon 14 of the PRKAG2 gene, results from a G to A substitution at nucleotide position 1532. The cysteine at codon 511 is replaced by tyrosine, an amino acid with highly dissimilar properties. This amino acid position is highly conserved in available vertebrate species. In addition, this alteration is predicted to be deleterious by in silico analysis. Since supporting evidence is limited at this time, the clinical significance of this alteration remains unclear.

NM_016203.4(PRKAG2):c.1532G>A (p.Cys511Tyr)

Gene: PRKAG2 (protein kinase AMP-activated non-catalytic subunit gamma 2; minus strand). Cytogenetic location: 7q36.1.
Variant type: single nucleotide variant.
Coding change: c.1532G>A on transcript NM_016203.4 (MANE Select); coding-DNA position 1532, G replaced by A.
Protein change: p.Cys511Tyr; replaces cysteine 511 with tyrosine.
Molecular consequence: missense variant.
Genome position (GRCh38, 1-based): chr7:151,564,130, C>T on the plus strand (G>A on the coding strand, the complement: PRKAG2 is on the minus strand). VCF-style: chr7-151564130-C-T. GRCh37 (hg19) VCF-style: chr7-151261216-C-T.
Other names: c.1400G>A, p.Cys467Tyr (NM_001040633.2, NM_001407024.1); c.1157G>A, p.Cys386Tyr (NM_001304527.2, NM_001407029.1); c.809G>A, p.Cys270Tyr (NM_001304531.2, NM_001407034.1, NM_001407035.1 and 1 more transcripts); c.1160G>A, p.Cys387Tyr (NM_001363698.2, NM_001407028.1); c.1532G>A, p.Cys511Tyr (NM_001407021.1); c.1529G>A, p.Cys510Tyr (NM_001407022.1, NM_001407023.1); c.1397G>A, p.Cys466Tyr (NM_001407026.1, NM_001407027.1); c.1244G>A, p.Cys415Tyr (NM_001407030.1); and 6 more; short protein forms C387Y, C414Y, C466Y, C511Y, C286Y, C415Y, C510Y, C269Y.
Identifiers: ClinVar variation 1774657 (VCV001774657.2), dbSNP rs2536275178, ClinGen allele CA370070538.